The following is an entry in ClinVar:

ClinVar aggregate classification (germline): Uncertain significance (1 of 4 stars; one submission).

Conditions:
Epileptic encephalopathy. Identifiers: MedGen C0543888, HP:0200134.

gnomAD v4.1: 8 of 1,609,290 alleles (0.0005%); highest among the groups gnomAD compares: South Asian, 0.0011%; no homozygotes.

Submission:

Labcorp Genetics (formerly Invitae), Labcorp
Classification: Uncertain significance for Epileptic encephalopathy. Last evaluated: 2024-10-14. Review status: criteria provided, single submitter. Criteria: Invitae Variant Classification Sherloc (09022015). Collection method: clinical testing. Allele origin: germline.
Comment: This sequence change replaces arginine, which is basic and polar, with tryptophan, which is neutral and slightly polar, at codon 1105 of the FASN protein (p.Arg1105Trp). The frequency data for this variant in the population databases is considered unreliable, as metrics indicate poor data quality at this position in the gnomAD database. This variant has not been reported in the literature in individuals affected with FASN-related conditions. ClinVar contains an entry for this variant (Variation ID: 2038822). An algorithm developed to predict the effect of missense changes on protein structure and function (PolyPhen-2) suggests that this variant is likely to be disruptive. In summary, the available evidence is currently insufficient to determine the role of this variant in disease. Therefore, it has been classified as a Variant of Uncertain Significance.

NM_004104.5(FASN):c.3313C>T (p.Arg1105Trp)

Gene: FASN (fatty acid synthase; minus strand). Cytogenetic location: 17q25.3.
Variant type: single nucleotide variant.
Coding change: c.3313C>T on transcript NM_004104.5 (MANE Select); coding-DNA position 3313, C replaced by T.
Protein change: p.Arg1105Trp; replaces arginine 1105 with tryptophan.
Molecular consequence: missense variant.
Genome position (GRCh38, 1-based): chr17:82,087,164, G>A on the plus strand (C>T on the coding strand, the complement: FASN is on the minus strand). VCF-style: chr17-82087164-G-A. GRCh37 (hg19) VCF-style: chr17-80045040-G-A.
Other names: short protein forms R1105W.
Identifiers: ClinVar variation 2038822 (VCV002038822.4), dbSNP rs771557254, ClinGen allele CA8852427.